The following is an entry in ClinVar:

NM_001384732.1(CPLANE1):c.2663A>G (p.Asp888Gly)

Gene: CPLANE1 (ciliogenesis and planar polarity effector complex subunit 1; minus strand). Cytogenetic location: 5p13.2.
Variant type: single nucleotide variant.
Coding change: c.2663A>G on transcript NM_001384732.1 (MANE Select); coding-DNA position 2663, A replaced by G.
Protein change: p.Asp888Gly; replaces aspartic acid 888 with glycine.
Molecular consequence: missense variant.
Genome position (GRCh38, 1-based): chr5:37,221,407, T>C on the plus strand (A>G on the coding strand, the complement: CPLANE1 is on the minus strand). VCF-style: chr5-37221407-T-C. GRCh37 (hg19) VCF-style: chr5-37221509-T-C.
Other names: c.2663A>G, p.Asp888Gly (NM_023073.4); short protein forms D888G.
Identifiers: ClinVar variation 1420506 (VCV001420506.4), dbSNP rs1487026046, ClinGen allele CA359488618.

ClinVar aggregate classification (germline): Uncertain significance. Review status: criteria provided, multiple submitters, no conflicts (2 of 4 stars). 2 submissions from 2 submitters: Uncertain significance (2). Last evaluated 2022-06-27.

Conditions:
Orofaciodigital syndrome type 6 (OFD6). Also called: Oral-facial-digital syndrome type 6; Central polydactyly cleft lip/palate or lingual lump and psychomotor retardation; Y-shaped central metacarpal and cerebellar defect; Joubert syndrome with orofacialdigital anomalies; VARADI SYNDROME; VARADI-PAPP SYNDROME. Identifiers: Orphanet 2754, MedGen C2745997, MONDO:0010176, OMIM 277170.
Joubert syndrome 17 (JBTS17). Identifiers: Orphanet 475, MedGen C3553264, MONDO:0013824, OMIM 614615.

gnomAD v4.1: 8 of 1,539,778 alleles (0.00052%); highest among the groups gnomAD compares: Non-Finnish European, 0.00061%; no homozygotes.

Submissions (2):

Labcorp Genetics (formerly Invitae), Labcorp
Classification: Uncertain significance. Last evaluated: 2022-06-27. Review status: criteria provided, single submitter. Criteria: Invitae Variant Classification Sherloc (09022015). Collection method: clinical testing. Allele origin: germline.
Comment: This sequence change replaces aspartic acid, which is acidic and polar, with glycine, which is neutral and non-polar, at codon 888 of the CPLANE1 protein (p.Asp888Gly). The frequency data for this variant in the population databases is considered unreliable, as metrics indicate poor data quality at this position in the gnomAD database. This variant has not been reported in the literature in individuals affected with CPLANE1-related conditions. Algorithms developed to predict the effect of missense changes on protein structure and function are either unavailable or do not agree on the potential impact of this missense change (SIFT: "Deleterious"; PolyPhen-2: "Probably Damaging"; Align-GVGD: "Class C0"). In summary, the available evidence is currently insufficient to determine the role of this variant in disease. Therefore, it has been classified as a Variant of Uncertain Significance.

Fulgent Genetics
Classification: Uncertain significance for Orofaciodigital syndrome type 6; Joubert syndrome 17. Last evaluated: 2022-01-20. Review status: criteria provided, single submitter. Criteria: ACMG Guidelines, 2015. Collection method: clinical testing. Allele origin: unknown.